The following is an entry in ClinVar:

ClinVar aggregate classification (germline): Likely benign (1 of 4 stars; one submission).

Allele frequency attached by ClinVar (database versions not stated): gnomAD 0.00004; gnomAD exomes 0.00007; 1000 Genomes Project 30x 0.00016.
gnomAD v4.1: 40 of 515,160 alleles (0.0078%); highest among the groups gnomAD compares: Middle Eastern, 0.046%; 3 homozygotes.

Submission:

CeGaT Center for Human Genetics Tuebingen
Classification: Likely benign. Last evaluated: 2023-01-01. Review status: criteria provided, single submitter. Criteria: CeGaT Center For Human Genetics Tuebingen Variant Classification Criteria Version 2. Collection method: clinical testing. Allele origin: germline. Affected: yes. Observed: 1 variant allele.
Comment: FAM66B: BS2; USP17L4: BS2

NM_001256874.1(USP17L4):c.122C>A (p.Ser41Ter)

Genes: FAM66B (family with sequence similarity 66 member B; minus strand), USP17L4 (ubiquitin specific peptidase 17 like family member 4; plus strand). Cytogenetic location: 8p23.1.
Variant type: single nucleotide variant.
Coding change: c.122C>A on transcript NM_001256874.1 (MANE Select); coding-DNA position 122, C replaced by A.
Protein change: p.Ser41Ter; replaces serine 41 with a stop codon.
Molecular consequence: nonsense.
Genome position (GRCh38, 1-based): chr8:7,337,236, C>A. VCF-style: chr8-7337236-C-A. GRCh37 (hg19) VCF-style: chr8-7194758-C-A.
Other names: short protein forms S41*.
Identifiers: ClinVar variation 2658359 (VCV002658359.24), dbSNP rs773142214, ClinGen allele CA4614937.